The following is an entry in ClinVar:

ClinVar aggregate classification (germline): Uncertain significance. Review status: criteria provided, multiple submitters, no conflicts (2 of 4 stars). 3 submissions from 3 submitters: Uncertain significance (3). Last evaluated 2025-12-03.

Conditions:
IFT74-related disorder. Also called: IFT74-related condition; IFT74-Related Disorders.
Bardet-Biedl syndrome 22 (BBS22). Identifiers: MedGen C5561936, MONDO:0014926, OMIM 617119.

Allele frequency attached by ClinVar (database versions not stated): ExAC 0.00001; gnomAD exomes 0.00001 and 0.00002; TOPMed 0.00001; 1000 Genomes Project 30x 0.00016; 1000 Genomes Project 0.00020.
gnomAD v4.1: 10 of 1,614,156 alleles (0.00062%); highest among the groups gnomAD compares: Middle Eastern, 0.049%; 1 homozygote.

Submissions (3):

PreventionGenetics, part of Exact Sciences
Classification: Uncertain significance for IFT74-related condition. Last evaluated: 2025-12-03. Review status: criteria provided, single submitter. Criteria: ACMG Guidelines, 2015. Collection method: clinical testing. Allele origin: germline.
Comment: The IFT74 c.94T>C variant is predicted to result in the amino acid substitution p.Ser32Pro. To our knowledge, this variant has not been reported in the literature. This variant is reported in 0.0065% of alleles in individuals of African descent in gnomAD. At this time, the clinical significance of this variant is uncertain due to the absence of conclusive functional and genetic evidence.

Labcorp Genetics (formerly Invitae), Labcorp
Classification: Uncertain significance. Last evaluated: 2023-12-07. Review status: criteria provided, single submitter. Criteria: Invitae Variant Classification Sherloc (09022015). Collection method: clinical testing. Allele origin: germline.
Comment: This sequence change replaces serine, which is neutral and polar, with proline, which is neutral and non-polar, at codon 32 of the IFT74 protein (p.Ser32Pro). This variant is present in population databases (rs201259858, gnomAD 0.007%). This variant has not been reported in the literature in individuals affected with IFT74-related conditions. ClinVar contains an entry for this variant (Variation ID: 1028870). An algorithm developed to predict the effect of missense changes on protein structure and function (PolyPhen-2) suggests that this variant¬†is likely to be tolerated. In summary, the available evidence is currently insufficient to determine the role of this variant in disease. Therefore, it has been classified as a Variant of Uncertain Significance.

Baylor Genetics
Classification: Uncertain significance for Bardet-Biedl syndrome 22. Last evaluated: 2019-11-26. Review status: criteria provided, single submitter. Criteria: ACMG Guidelines, 2015. Collection method: clinical testing. Allele origin: unknown. Affected: yes.
Comment: This variant was determined to be of uncertain significance according to ACMG Guidelines, 2015 [PMID:25741868].

NM_025103.4(IFT74):c.94T>C (p.Ser32Pro)

Gene: IFT74 (intraflagellar transport 74; plus strand). Cytogenetic location: 9p21.2.
Variant type: single nucleotide variant.
Coding change: c.94T>C on transcript NM_025103.4 (MANE Select); coding-DNA position 94, T replaced by C.
Protein change: p.Ser32Pro; replaces serine 32 with proline.
Molecular consequence: missense variant.
Genome position (GRCh38, 1-based): chr9:26,962,061, T>C. VCF-style: chr9-26962061-T-C. GRCh37 (hg19) VCF-style: chr9-26962059-T-C.
Other names: c.94T>C, p.Ser32Pro (NM_001099222.3, NM_001099223.3, NM_001099224.3 and 1 more transcripts); short protein forms S32P.
Identifiers: ClinVar variation 1028870 (VCV001028870.6), dbSNP rs201259858, ClinGen allele CA5014800.
Genomic context (GRCh38, chr9:26,962,061, plus strand): 5'-CCTGTTTCAAGAGGTGGAGTTGGGTTAACAGGAAGGCCTCCTTCTGGGATACGACCCCTA[T>C]CAGGAAATATTCGAGTGGCAACTGCAGTAAGTTTGAAACAAATCTATTTACTTTGGGAGG-3'
Protein context (NP_079379.2, residues 22-42): GRPPSGIRPL[Ser32Pro]GNIRVATAMP